The following is an entry in ClinVar:

ClinVar aggregate classification (germline): Uncertain significance (1 of 4 stars; one submission).

Conditions:
Inborn genetic diseases. Identifiers: MedGen C0950123, MeSH D030342.

Submission:

Ambry Genetics
Classification: Uncertain significance for Inborn genetic diseases. Last evaluated: 2023-10-02. Review status: criteria provided, single submitter. Criteria: Ambry Variant Classification Scheme 2023. Collection method: clinical testing. Allele origin: germline.
Comment: The p.V400G variant (also known as c.1199T>G), located in coding exon 4 of the SMAD6 gene, results from a T to G substitution at nucleotide position 1199. The valine at codon 400 is replaced by glycine, an amino acid with dissimilar properties. This amino acid position is conserved. In addition, this alteration is predicted to be deleterious by in silico analysis. Since supporting evidence is limited at this time, the clinical significance of this alteration remains unclear.

NM_005585.5(SMAD6):c.1199T>G (p.Val400Gly)

Gene: SMAD6 (SMAD family member 6; plus strand). Cytogenetic location: 15q22.31.
Variant type: single nucleotide variant.
Coding change: c.1199T>G on transcript NM_005585.5 (MANE Select); coding-DNA position 1199, T replaced by G.
Protein change: p.Val400Gly; replaces valine 400 with glycine.
Molecular consequence: missense variant. On other transcripts: non-coding transcript variant (1).
Genome position (GRCh38, 1-based): chr15:66,781,243, T>G. VCF-style: chr15-66781243-T-G. GRCh37 (hg19) VCF-style: chr15-67073581-T-G.
Other names: short protein forms V400G.
Identifiers: ClinVar variation 3224784 (VCV003224784.1), dbSNP rs2140681753, ClinGen allele CA393202071.